The following is an entry in ClinVar:

NM_032447.5(FBN3):c.5961C>G (p.Asn1987Lys)

Gene: FBN3 (fibrillin 3; minus strand). Cytogenetic location: 19p13.2.
Variant type: single nucleotide variant.
Coding change: c.5961C>G on transcript NM_032447.5 (MANE Select); coding-DNA position 5961, C replaced by G.
Protein change: p.Asn1987Lys; replaces asparagine 1987 with lysine.
Molecular consequence: missense variant.
Genome position (GRCh38, 1-based): chr19:8,091,535, G>C on the plus strand (C>G on the coding strand, the complement: FBN3 is on the minus strand). VCF-style: chr19-8091535-G-C. GRCh37 (hg19) VCF-style: chr19-8156419-G-C.
Other names: c.5961C>G, p.Asn1987Lys (NM_001321431.2); short protein forms N1987K.
Identifiers: ClinVar variation 4775497 (VCV004775497.1).
Genomic context (GRCh38, chr19:8,091,535, plus strand): 5'-GTGCCCATTGTCAGAGAGGACAAAGCCAGGTGGGCAGAGGCACTGGAAGCTCCCAGGGCT[G>C]TTGGTACAGGTGCCAAAGAGGCAGAGGTTGGGCTCCTCTGAGCACTCGTCGATATCTGGA-3'
Protein context (NP_115823.3, residues 1977-1997): PNLCLFGTCT[Asn1987Lys]SPGSFQCLCP

ClinVar aggregate classification (germline): Uncertain significance (1 of 4 stars; one submission).

Submission:

Labcorp Genetics (formerly Invitae), Labcorp
Classification: Uncertain significance. Last evaluated: 2025-02-28. Review status: criteria provided, single submitter. Criteria: Invitae Variant Classification Sherloc (09022015). Collection method: clinical testing. Allele origin: germline.
Comment: This sequence change replaces asparagine, which is neutral and polar, with lysine, which is basic and polar, at codon 1987 of the FBN3 protein (p.Asn1987Lys). This variant is not present in population databases (gnomAD no frequency). This variant has not been reported in the literature in individuals affected with FBN3-related conditions. Invitae Evidence Modeling of protein sequence and biophysical properties (such as structural, functional, and spatial information, amino acid conservation, physicochemical variation, residue mobility, and thermodynamic stability) indicates that this missense variant is expected to disrupt FBN3 protein function with a positive predictive value of 80%. In summary, the available evidence is currently insufficient to determine the role of this variant in disease. Therefore, it has been classified as a Variant of Uncertain Significance.